The following is an entry in ClinVar:

NM_133259.4(LRPPRC):c.592_603del

Gene: LRPPRC (leucine rich pentatricopeptide repeat containing; minus strand). Cytogenetic location: 2p21.
Variant type: Deletion.
Coding change: c.592_603del on transcript NM_133259.4 (MANE Select); coding-DNA positions 592 to 603, 12 bases deleted (GTGACATACCAG).
Molecular consequence: splice acceptor variant.
Genome position (GRCh38, 1-based): chr2:43,977,041-43,977,052, CTGGTATGTCAC deleted on the plus strand (GTGACATACCAG on the coding strand, the reverse complement: LRPPRC is on the minus strand); deleting any 12 consecutive bases within chr2:43,977,041-43,977,055 gives the same sequence; the c. name uses the placement nearest the transcript's 3' end. VCF-style (leftmost placement, unchanged base first): chr2-43977040-TCTGGTATGTCAC-T. GRCh37 (hg19) VCF-style: chr2-44204179-TCTGGTATGTCAC-T.
Other names: c.592_603delGTGACATACCAG (NM_133259.3).
Identifiers: ClinVar variation 426850 (VCV000426850.8), ClinGen allele CA1639289.

ClinVar aggregate classification (germline): Uncertain significance. Review status: criteria provided, multiple submitters, no conflicts (2 of 4 stars). 3 submissions from 3 submitters: Uncertain significance (2). 1 of the submissions does not count toward it. Last evaluated 2018-06-07.

Conditions:
Congenital lactic acidosis, Saguenay-Lac-Saint-Jean type (MC4DN5). Also called: MITOCHONDRIAL COMPLEX IV DEFICIENCY, NUCLEAR TYPE 5; CYTOCHROME c OXIDASE DEFICIENCY, FRENCH CANADIAN TYPE; COX DEFICIENCY, FRENCH CANADIAN TYPE. Identifiers: Orphanet 70472, MedGen C1857355, MONDO:0009069, OMIM 220111.

Submissions (3):

GeneDx
Classification: Uncertain significance. Last evaluated: 2018-06-07. Review status: criteria provided, single submitter. Criteria: GeneDx Variant Classification (06012015). Collection method: clinical testing. Allele origin: germline. Affected: yes.
Comment: The c.592_603del12 variant in the LRPPRC gene has not been reported previously as a pathogenic variant, nor as a benign variant, to our knowledge. The c.592_603del12 variant is not observed in large population cohorts (Lek et al., 2016; 1000 Genomes Consortium et al., 2015; Exome Variant Server). In-silico splice prediction models predict that c.592_603del12 may damage the natural splice acceptor site in intron 4, which may cause alternate splicing. However, in the absence of RNA/functional studies, the actual effect of the c.592_603del12 variant is unknown. If c.592_603del12 does not alter splicing, it will result in an in frame deletion of four amino acid residues, denoted p.Val198_Gln201del. In silico analysis predicts this in frame deletion is probably damaging to the protein structure/function, and the residues removed by this deletion are conserved across species. We interpret c.592_603del12 as a variant of uncertain significance.

Geisinger Autism and Developmental Medicine Institute, Geisinger Health System
Classification: Uncertain significance for Congenital lactic acidosis, Saguenay-Lac-Saint-Jean type. Last evaluated: 2018-02-21. Review status: criteria provided, single submitter. Criteria: ACMG Guidelines, 2015. Collection method: provider interpretation, clinical testing. Allele origin: maternal. Affected: no. Observed: 1 variant allele.
Comment: The p.V198_Q201del variant is present in gnomAD Latino population at 0.003%. Computational models predict possible damage to a splice acceptor site. Subsequent clinical testing showed normal brain MRI, lactate, and pyruvate levels, which is not consistent with French-Canadian Leigh syndrome.

Natera, Inc.
Classification: Uncertain significance for French-Canadian type Leigh syndrome. Last evaluated: 2021-03-03. Review status: no assertion criteria provided. Collection method: clinical testing. Allele origin: germline. Not counted in ClinVar's aggregate classification.